The following is an entry in ClinVar:

NM_001365276.2(TNXB):c.1283C>G (p.Thr428Ser)

Gene: TNXB (tenascin XB; minus strand). Cytogenetic location: 6p21.33.
Variant type: single nucleotide variant.
Coding change: c.1283C>G on transcript NM_001365276.2 (MANE Select); coding-DNA position 1283, C replaced by G.
Protein change: p.Thr428Ser; replaces threonine 428 with serine.
Molecular consequence: missense variant.
Genome position (GRCh38, 1-based): chr6:32,096,570, G>C on the plus strand (C>G on the coding strand, the complement: TNXB is on the minus strand). VCF-style: chr6-32096570-G-C. GRCh37 (hg19) VCF-style: chr6-32064347-G-C.
Other names: c.1283C>G, p.Thr428Ser (NM_001428335.1, NM_019105.8); short protein forms T428S.
Identifiers: ClinVar variation 3459869 (VCV003459869.1).
Genomic context (GRCh38, chr6:32,096,570, plus strand): 5'-CCGTTCTCGCAGCGCCCGCGACCTCTACAGTCGCGTGGGCAGGCGCGCGAGCCGCAATCG[G>C]TTCCAGTGTACCCCGGCCAGCACACGCAGCGGCCGTCCTCGCAGCGGCCCCTTTGGTTGC-3'
Protein context (NP_001352205.1, residues 418-438): RCVCWPGYTG[Thr428Ser]DCGSRACPRD

ClinVar aggregate classification (germline): Uncertain significance (1 of 4 stars; one submission).

Conditions:
Cardiovascular phenotype. Identifiers: MedGen CN230736.

Submission:

Ambry Genetics
Classification: Uncertain significance for Cardiovascular phenotype. Last evaluated: 2024-10-24. Review status: criteria provided, single submitter. Criteria: Ambry Variant Classification Scheme 2023. Collection method: clinical testing. Allele origin: germline.
Comment: The p.T428S variant (also known as c.1283C>G), located in coding exon 2 of the TNXB gene, results from a C to G substitution at nucleotide position 1283. The threonine at codon 428 is replaced by serine, an amino acid with similar properties. This amino acid position is conserved. In addition, this alteration is predicted to be tolerated by in silico analysis. Based on the available evidence, the clinical significance of this variant remains unclear.